The following is an entry in ClinVar:

NM_001271.4(CHD2):c.4435G>A (p.Val1479Met)

Gene: CHD2 (chromodomain helicase DNA binding protein 2; plus strand). Cytogenetic location: 15q26.1.
Variant type: single nucleotide variant.
Coding change: c.4435G>A on transcript NM_001271.4 (MANE Select); coding-DNA position 4435, G replaced by A.
Protein change: p.Val1479Met; replaces valine 1479 with methionine.
Molecular consequence: missense variant.
Genome position (GRCh38, 1-based): chr15:93,009,166, G>A. VCF-style: chr15-93009166-G-A. GRCh37 (hg19) VCF-style: chr15-93552396-G-A.
Other names: short protein forms V1479M.
Identifiers: ClinVar variation 803142 (VCV000803142.11), dbSNP rs779953123, ClinGen allele CA7748479.

ClinVar aggregate classification (germline): Uncertain significance. Review status: criteria provided, multiple submitters, no conflicts (2 of 4 stars). 3 submissions from 3 submitters: Uncertain significance (3). Last evaluated 2024-03-12.

Conditions:
Developmental and epileptic encephalopathy 94 (DEE94). Also called: CHD2-Related Neurodevelopmental Disorders; Epileptic encephalopathy, childhood-onset. Identifiers: Orphanet 1942, Orphanet 2382, MedGen C3809278, MONDO:0014150, OMIM 615369.

Allele frequency attached by ClinVar (database versions not stated): gnomAD exomes below 0.00001 and 0.00002; ExAC 0.00001; gnomAD 0.00002.
gnomAD v4.1: 27 of 1,614,030 alleles (0.0017%); highest among the groups gnomAD compares: Non-Finnish European, 0.0015%; no homozygotes.

Submissions (3):

Women's Health and Genetics/Laboratory Corporation of America, LabCorp
Classification: Uncertain significance. Last evaluated: 2024-03-12. Review status: criteria provided, single submitter. Criteria: LabCorp Variant Classification Summary - May 2015. Collection method: clinical testing. Allele origin: germline.
Comment: Variant summary: CHD2 c.4435G>A (p.Val1479Met) results in a conservative amino acid change located in the Chromodomain-helicase-DNA-binding protein 1-like, C-terminal domain (IPR025260) of the encoded protein sequence. Four of five in-silico tools predict a damaging effect of the variant on protein function. The variant allele was found at a frequency of 4e-06 in 251126 control chromosomes. The available data on variant occurrences in the general population are insufficient to allow any conclusion about variant significance. c.4435G>A has been reported in the literature in one individual affected with febrile seizures and photoparoxysmal response, without epilepsy (Galizia_2015). These report(s) do not provide unequivocal conclusions about association of the variant with Developmental And Epileptic Encephalopathy 94. To our knowledge, no experimental evidence demonstrating an impact on protein function has been reported. The following publication have been ascertained in the context of this evaluation (PMID: 25783594). ClinVar contains an entry for this variant (Variation ID: 803142). Based on the evidence outlined above, the variant was classified as uncertain significance.

Labcorp Genetics (formerly Invitae), Labcorp
Classification: Uncertain significance for Developmental and epileptic encephalopathy 94. Last evaluated: 2021-07-17. Review status: criteria provided, single submitter. Criteria: Invitae Variant Classification Sherloc (09022015). Collection method: clinical testing. Allele origin: germline.
Comment: This sequence change replaces valine with methionine at codon 1479 of the CHD2 protein (p.Val1479Met). The valine residue is moderately conserved and there is a small physicochemical difference between valine and methionine. This variant is present in population databases (rs779953123, ExAC no frequency). This variant has been observed in individual(s) with photoparoxysmal response and febrile seizures (PMID: 25783594). ClinVar contains an entry for this variant (Variation ID: 803142). Advanced modeling of protein sequence and biophysical properties (such as structural, functional, and spatial information, amino acid conservation, physicochemical variation, residue mobility, and thermodynamic stability) performed at Invitae indicates that this missense variant is not expected to disrupt CHD2 protein function. In summary, the available evidence is currently insufficient to determine the role of this variant in disease. Therefore, it has been classified as a Variant of Uncertain Significance.

Mendelics
Classification: Uncertain significance for Developmental and epileptic encephalopathy 94. Last evaluated: 2019-05-28. Review status: criteria provided, single submitter. Criteria: Mendelics Assertion Criteria 2017. Collection method: clinical testing. Allele origin: unknown.

Literature cited by the submitters: PubMed 25783594 (cited by Women's Health and Genetics/Laboratory Corporation of America, LabCorp and Labcorp Genetics (formerly Invitae), Labcorp).